The following is an entry in ClinVar:

ClinVar aggregate classification (germline): Uncertain significance (1 of 4 stars; one submission).

Submission:

CeGaT Center for Human Genetics Tuebingen
Classification: Uncertain significance. Last evaluated: 2024-04-01. Review status: criteria provided, single submitter. Criteria: CeGaT Center For Human Genetics Tuebingen Variant Classification Criteria Version 2. Collection method: clinical testing. Allele origin: germline. Affected: yes. Observed: 2 variant alleles.
Comment: MPZ: PM2, PM5

NM_000530.8(MPZ):c.366T>G (p.Asn122Lys)

Gene: MPZ (myelin protein zero; minus strand). Cytogenetic location: 1q23.3.
Variant type: single nucleotide variant.
Coding change: c.366T>G on transcript NM_000530.8 (MANE Select); coding-DNA position 366, T replaced by G.
Protein change: p.Asn122Lys; replaces asparagine 122 with lysine.
Molecular consequence: missense variant.
Genome position (GRCh38, 1-based): chr1:161,306,790, A>C on the plus strand (T>G on the coding strand, the complement: MPZ is on the minus strand). VCF-style: chr1-161306790-A-C. GRCh37 (hg19) VCF-style: chr1-161276580-A-C.
Other names: c.366T>G, p.Asn122Lys (NM_001315491.2); short protein forms N122K.
Identifiers: ClinVar variation 424920 (VCV000424920.43), dbSNP rs1064797124, ClinGen allele CA16621580.